The following is an entry in ClinVar:

NM_000069.3(CACNA1S):c.2491-2A>G

Gene: CACNA1S (calcium voltage-gated channel subunit alpha1 S; minus strand). Cytogenetic location: 1q32.1.
Variant type: single nucleotide variant.
Coding change: c.2491-2A>G on transcript NM_000069.3 (MANE Select); the canonical splice acceptor site of the intron before coding-DNA position 2491, A replaced by G.
Molecular consequence: splice acceptor variant.
Genome position (GRCh38, 1-based): chr1:201,069,198, T>C on the plus strand (A>G on the coding strand, the complement: CACNA1S is on the minus strand). VCF-style: chr1-201069198-T-C. GRCh37 (hg19) VCF-style: chr1-201038326-T-C.
Identifiers: ClinVar variation 2930292 (VCV002930292.3), dbSNP rs2464534175, ClinGen allele CA344106214.

ClinVar aggregate classification (germline): Likely pathogenic (1 of 4 stars; one submission).

Conditions:
Malignant hyperthermia, susceptibility to, 5 (MHS5). Also called: CACNA1S-Related Malignant Hyperthermia Susceptibility. Identifiers: Orphanet 423, MedGen C1866077, MONDO:0011163, OMIM 601887.
Hypokalemic periodic paralysis, type 1. Also called: Hypokalemic Periodic Paralysis Type 1 (AD); HypoPP. Identifiers: Orphanet 681, MedGen C3714580, MONDO:0042979, OMIM 170400.

Submission:

Labcorp Genetics (formerly Invitae), Labcorp
Classification: Likely pathogenic for Hypokalemic periodic paralysis, type 1; Malignant hyperthermia, susceptibility to, 5. Last evaluated: 2023-12-22. Review status: criteria provided, single submitter. Criteria: Invitae Variant Classification Sherloc (09022015). Collection method: clinical testing. Allele origin: germline.
Comment: This sequence change affects an acceptor splice site in intron 18 of the CACNA1S gene. It is expected to disrupt RNA splicing. Variants that disrupt the donor or acceptor splice site typically lead to a loss of protein function (PMID: 16199547), and loss-of-function variants in CACNA1S are known to be pathogenic (PMID: 26247046, 28012042). This variant is not present in population databases (gnomAD no frequency). This variant has not been reported in the literature in individuals affected with CACNA1S-related conditions. Algorithms developed to predict the effect of sequence changes on RNA splicing suggest that this variant may disrupt the consensus splice site. In summary, the currently available evidence indicates that the variant is pathogenic, but additional data are needed to prove that conclusively. Therefore, this variant has been classified as Likely Pathogenic.

Literature cited by the submitters: PubMed 16199547; PubMed 26247046; PubMed 28012042.